The following is an entry in ClinVar:

ClinVar aggregate classification (germline): Uncertain significance. Review status: criteria provided, multiple submitters, no conflicts (2 of 4 stars). 2 submissions from 2 submitters: Uncertain significance (2). Last evaluated 2026-01-07.

Conditions:
Hereditary cancer-predisposing syndrome. Also called: Tumor predisposition; Hereditary Cancer Syndrome; Neoplastic Syndromes, Hereditary; Hereditary neoplastic syndrome. Identifiers: Orphanet 140162, MedGen C0027672, MeSH D009386, MONDO:0015356.

Submissions (2):

Ambry Genetics
Classification: Uncertain significance for Hereditary cancer-predisposing syndrome. Last evaluated: 2026-01-07. Review status: criteria provided, single submitter. Criteria: Ambry Variant Classification Scheme 2023. Collection method: clinical testing. Allele origin: germline.
Comment: The p.L942F variant (also known as c.2824C>T), located in coding exon 24 of the POLE gene, results from a C to T substitution at nucleotide position 2824. The leucine at codon 942 is replaced by phenylalanine, an amino acid with highly similar properties. This amino acid position is highly conserved in available vertebrate species. In addition, this alteration is predicted to be tolerated by in silico analysis. Based on the available evidence, the clinical significance of this variant remains unclear.

Labcorp Genetics (formerly Invitae), Labcorp
Classification: Uncertain significance. Last evaluated: 2017-08-14. Review status: criteria provided, single submitter. Criteria: Invitae Variant Classification Sherloc (09022015). Collection method: clinical testing. Allele origin: germline.
Comment: In summary, the available evidence is currently insufficient to determine the role of this variant in disease. Therefore, it has been classified as a Variant of Uncertain Significance. Algorithms developed to predict the effect of missense changes on protein structure and function do not agree on the potential impact of this missense change (SIFT: "Deleterious"; PolyPhen-2: "Probably Damaging"; Align-GVGD: "Class C15"). This variant has not been reported in the literature in individuals with POLE-related disease. This variant is not present in population databases (ExAC no frequency). This sequence change replaces leucine with phenylalanine at codon 942 of the POLE protein (p.Leu942Phe). The leucine residue is highly conserved and there is a small physicochemical difference between leucine and phenylalanine.

NM_006231.4(POLE):c.2824C>T (p.Leu942Phe)

Gene: POLE (DNA polymerase epsilon, catalytic subunit; minus strand). Cytogenetic location: 12q24.33.
Variant type: single nucleotide variant.
Coding change: c.2824C>T on transcript NM_006231.4 (MANE Select); coding-DNA position 2824, C replaced by T.
Protein change: p.Leu942Phe; replaces leucine 942 with phenylalanine.
Molecular consequence: missense variant.
Genome position (GRCh38, 1-based): chr12:132,661,567, G>A on the plus strand (C>T on the coding strand, the complement: POLE is on the minus strand). VCF-style: chr12-132661567-G-A. GRCh37 (hg19) VCF-style: chr12-133238153-G-A.
Other names: c.2824C>T (NM_006231.2); short protein forms L942F.
Identifiers: ClinVar variation 540758 (VCV000540758.9), dbSNP rs1555226025, ClinGen allele CA387393669.